The following is an entry in ClinVar:

NM_031308.4(EPPK1):c.2763C>T (p.Gly921=)

Gene: EPPK1 (epiplakin 1; minus strand). Cytogenetic location: 8q24.3.
Variant type: single nucleotide variant.
Coding change: c.2763C>T on transcript NM_031308.4 (MANE Select); coding-DNA position 2763, C replaced by T.
Protein change: p.Gly921=; no amino-acid change (glycine 921 retained).
Molecular consequence: synonymous variant.
Genome position (GRCh38, 1-based): chr8:143,870,491, G>A on the plus strand (C>T on the coding strand, the complement: EPPK1 is on the minus strand). VCF-style: chr8-143870491-G-A. GRCh37 (hg19) VCF-style: chr8-144944659-G-A.
Identifiers: ClinVar variation 3034605 (VCV003034605.2), dbSNP rs375984049, ClinGen allele CA4922963.

ClinVar aggregate classification (germline): Benign (0 of 4 stars; one submission).

Conditions:
EPPK1-related disorder. Also called: EPPK1-related condition.

Allele frequency attached by ClinVar (database versions not stated): gnomAD exomes 0.00050; ExAC 0.00135; ESP Exome Variant Server 0.00281; gnomAD 0.00335; TOPMed 0.00381; 1000 Genomes Project 0.00519; 1000 Genomes Project 30x 0.00547.
gnomAD v4.1: 1,282 of 1,605,430 alleles (0.08%); highest among the groups gnomAD compares: African/African-American, 1%; 9 homozygotes.

Submission:

PreventionGenetics, part of Exact Sciences
Classification: Benign for EPPK1-related condition. Last evaluated: 2021-04-20. Review status: no assertion criteria provided. Collection method: clinical testing. Allele origin: germline.
Comment: This variant is classified as benign based on ACMG/AMP sequence variant interpretation guidelines (Richards et al. 2015 PMID: 25741868, with internal and published modifications).